The following is an entry in ClinVar:

NM_003072.5(SMARCA4):c.1804G>T (p.Asp602Tyr)

Gene: SMARCA4 (SWI/SNF related BAF chromatin remodeling complex subunit ATPase 4; plus strand). Cytogenetic location: 19p13.2.
Variant type: single nucleotide variant.
Coding change: c.1804G>T on transcript NM_003072.5 (MANE Select); coding-DNA position 1804, G replaced by T.
Protein change: p.Asp602Tyr; replaces aspartic acid 602 with tyrosine.
Molecular consequence: missense variant. On other transcripts: non-coding transcript variant (1).
Genome position (GRCh38, 1-based): chr19:10,996,536, G>T. VCF-style: chr19-10996536-G-T. GRCh37 (hg19) VCF-style: chr19-11107212-G-T.
Other names: c.1804G>T, p.Asp602Tyr (NM_001128844.3, NM_001128845.2, NM_001128846.2 and 6 more transcripts); short protein forms D602Y.
Identifiers: ClinVar variation 1780461 (VCV001780461.3), dbSNP rs2087068449, ClinGen allele CA404064878.
Genomic context (GRCh38, chr19:10,996,536, plus strand): 5'-GTCTCTCTCTATTTCCAGAAGGCAGAAAATGCAGAAGGACAGACGCCTGCCATTGGGCCG[G>T]ATGGCGAGGTGAGGAAGCAGGGTTTCTTGTGGAAGTATCAAGCTAGCCCTAAGGCGTTGG-3'
Protein context (NP_003063.2, residues 592-612): AEGQTPAIGP[Asp602Tyr]GEPLDETSQM

ClinVar aggregate classification (germline): Uncertain significance (1 of 4 stars; one submission).

Conditions:
Hereditary cancer-predisposing syndrome. Also called: Neoplastic Syndromes, Hereditary; Tumor predisposition; Hereditary Cancer Syndrome; Hereditary neoplastic syndrome. Identifiers: Orphanet 140162, MedGen C0027672, MeSH D009386, MONDO:0015356.

Submission:

Ambry Genetics
Classification: Uncertain significance for Hereditary cancer-predisposing syndrome. Last evaluated: 2024-04-24. Review status: criteria provided, single submitter. Criteria: Ambry Variant Classification Scheme 2023. Collection method: clinical testing. Allele origin: germline.
Comment: The p.D602Y variant (also known as c.1804G>T), located in coding exon 10 of the SMARCA4 gene, results from a G to T substitution at nucleotide position 1804. The aspartic acid at codon 602 is replaced by tyrosine, an amino acid with highly dissimilar properties. This amino acid position is highly conserved in available vertebrate species. In addition, the in silico prediction for this alteration is inconclusive. Based on the available evidence, the clinical significance of this variant remains unclear.